The following is an entry in ClinVar:

ClinVar aggregate classification (germline): Uncertain significance. Review status: criteria provided, multiple submitters, no conflicts (2 of 4 stars). 2 submissions from 2 submitters: Uncertain significance (2). Last evaluated 2025-06-12.

Conditions:
Inborn genetic diseases. Identifiers: MedGen C0950123, MeSH D030342.
Cataract 5 multiple types (CTRCT5). Also called: CATARACT, MARNER TYPE; Lamellar cataract; CATARACT 5, LAMELLAR. Identifiers: Orphanet 91492, MedGen C0266537, MONDO:0007290, OMIM 116800, HP:0007971.

Submissions (2):

Labcorp Genetics (formerly Invitae), Labcorp
Classification: Uncertain significance for Cataract 5 multiple types. Last evaluated: 2025-06-12. Review status: criteria provided, single submitter. Criteria: Invitae Variant Classification Sherloc (09022015). Collection method: clinical testing. Allele origin: germline.
Comment: This sequence change replaces glycine, which is neutral and non-polar, with aspartic acid, which is acidic and polar, at codon 13 of the HSF4 protein (p.Gly13Asp). The frequency data for this variant in the population databases is considered unreliable, as metrics indicate poor data quality at this position in the gnomAD database. This variant has not been reported in the literature in individuals affected with HSF4-related conditions. ClinVar contains an entry for this variant (Variation ID: 3609156). Invitae Evidence Modeling of protein sequence and biophysical properties (such as structural, functional, and spatial information, amino acid conservation, physicochemical variation, residue mobility, and thermodynamic stability) indicates that this missense variant is not expected to disrupt HSF4 protein function with a negative predictive value of 80%. In summary, the available evidence is currently insufficient to determine the role of this variant in disease. Therefore, it has been classified as a Variant of Uncertain Significance.

Ambry Genetics
Classification: Uncertain significance for Inborn genetic diseases. Last evaluated: 2025-02-08. Review status: criteria provided, single submitter. Criteria: Ambry Variant Classification Scheme 2023. Collection method: clinical testing. Allele origin: germline.

NM_001374675.1(HSF4):c.38G>A (p.Gly13Asp)

Genes: HSF4 (heat shock transcription factor 4; plus strand), LOC125177334 (Sharpr-MPRA regulatory region 11796; plus strand). Cytogenetic location: 16q22.1.
Variant type: single nucleotide variant.
Coding change: c.38G>A on transcript NM_001374675.1 (MANE Select); coding-DNA position 38, G replaced by A.
Protein change: p.Gly13Asp; replaces glycine 13 with aspartic acid.
Molecular consequence: missense variant.
Genome position (GRCh38, 1-based): chr16:67,164,849, G>A. VCF-style: chr16-67164849-G-A. GRCh37 (hg19) VCF-style: chr16-67198752-G-A.
Other names: c.38G>A (NM_001538.3); c.38G>A, p.Gly13Asp (NM_001040667.3, NM_001374674.1, NM_001538.4); short protein forms G13D.
Identifiers: ClinVar variation 3609156 (VCV003609156.3).